The following is an entry in ClinVar:

ClinVar aggregate classification (germline): Uncertain significance (1 of 4 stars; one submission).

Conditions:
Encephalopathy, acute, infection-induced (herpes-specific), susceptibility to, 1. Also called: Herpes simplex encephalitis, susceptibility to, 1. Identifiers: Orphanet 1930, MedGen C2750180, MONDO:0024563, OMIM 610551.

Submission:

Labcorp Genetics (formerly Invitae), Labcorp
Classification: Uncertain significance for Encephalopathy, acute, infection-induced (herpes-specific), susceptibility to, 1. Last evaluated: 2023-01-03. Review status: criteria provided, single submitter. Criteria: Invitae Variant Classification Sherloc (09022015). Collection method: clinical testing. Allele origin: germline.
Comment: This variant is not present in population databases (gnomAD no frequency). This sequence change replaces leucine, which is neutral and non-polar, with valine, which is neutral and non-polar, at codon 300 of the TLR3 protein (p.Leu300Val). This variant has not been reported in the literature in individuals affected with TLR3-related conditions. In summary, the available evidence is currently insufficient to determine the role of this variant in disease. Therefore, it has been classified as a Variant of Uncertain Significance. Algorithms developed to predict the effect of missense changes on protein structure and function (SIFT, PolyPhen-2, Align-GVGD) all suggest that this variant is likely to be disruptive.

NM_003265.3(TLR3):c.898C>G (p.Leu300Val)

Gene: TLR3 (toll like receptor 3; plus strand). Cytogenetic location: 4q35.1.
Variant type: single nucleotide variant.
Coding change: c.898C>G on transcript NM_003265.3 (MANE Select); coding-DNA position 898, C replaced by G.
Protein change: p.Leu300Val; replaces leucine 300 with valine.
Molecular consequence: missense variant.
Genome position (GRCh38, 1-based): chr4:186,082,584, C>G. VCF-style: chr4-186082584-C-G. GRCh37 (hg19) VCF-style: chr4-187003738-C-G.
Other names: short protein forms L300V.
Identifiers: ClinVar variation 2826066 (VCV002826066.3), dbSNP rs2478225031, ClinGen allele CA358930400.